The following is an entry in ClinVar:

ClinVar aggregate classification (germline): Likely pathogenic (1 of 4 stars; one submission).

Conditions:
Cardiovascular phenotype. Identifiers: MedGen CN230736.

Submission:

Ambry Genetics
Classification: Likely pathogenic for Cardiovascular phenotype. Last evaluated: 2023-11-13. Review status: criteria provided, single submitter. Criteria: Ambry Variant Classification Scheme 2023. Collection method: clinical testing. Allele origin: germline.
Comment: The p.Q14539* variant (also known as c.43615C>T), located in coding exon 153 of the TTN gene, results from a C to T substitution at nucleotide position 43615. This changes the amino acid from a glutamine to a stop codon within coding exon 153. This exon is located in the A-band region of the N2-B isoform of the titin protein and is constitutively expressed in TTN transcripts (percent spliced in or PSI 100%). This variant is considered to be rare based on population cohorts in the Genome Aggregation Database (gnomAD). This alteration is expected to result in loss of function by premature protein truncation or nonsense-mediated mRNA decay. While truncating variants in TTN are present in 1-3% of the general population, truncating variants in the A-band are the most common cause of dilated cardiomyopathy (DCM) (Herman DS et al. N. Engl. J. Med., 2012 Feb;366:619-28; Roberts AM et al. Sci Transl Med, 2015 Jan;7:270ra6). TTN truncating variants encoded in constitutive exons (PSI >90%) have been found to be significantly associated with DCM regardless of their position in titin (Schafer S et al. Nat. Genet., 2017 01;49:46-53). Based on the majority of available evidence to date, this variant is likely to be pathogenic.

NM_001267550.2(TTN):c.70810C>T (p.Gln23604Ter)

Genes: TTN (titin; minus strand), TTN-AS1 (TTN antisense RNA 1; plus strand). Cytogenetic location: 2q31.2.
Variant type: single nucleotide variant.
Coding change: c.70810C>T on transcript NM_001267550.2 (MANE Select); coding-DNA position 70810, C replaced by T.
Protein change: p.Gln23604Ter; replaces glutamine 23604 with a stop codon.
Molecular consequence: nonsense.
Genome position (GRCh38, 1-based): chr2:178,575,322, G>A on the plus strand (C>T on the coding strand, the complement: TTN is on the minus strand). VCF-style: chr2-178575322-G-A. GRCh37 (hg19) VCF-style: chr2-179440049-G-A.
Other names: c.63106C>T, p.Gln21036Ter (NM_133378.4); c.65887C>T, p.Gln21963Ter (NM_001256850.1); c.43615C>T, p.Gln14539Ter (NM_003319.4); c.43990C>T, p.Gln14664Ter (NM_133432.3); c.44191C>T, p.Gln14731Ter (NM_133437.4); short protein forms Q14539*, Q14664*, Q14731*, Q21036*, Q21963*, Q23604*.
Identifiers: ClinVar variation 3223272 (VCV003223272.1), dbSNP rs747651345, ClinGen allele CA349661045.
Genomic context (GRCh38, chr2:178,575,322, plus strand): 5'-CAATGACGGGTCTGCTTTCTCTAGGGGCACTTCTCCCCGCGCTGTTCACTGCCATCACTT[G>A]GAAGGTATATTCCTCTCCTTCAGTTAGATTCCTCACAACACATTCTAACCCTTTCACGGT-3'